The following is an entry in ClinVar:

NM_006206.6(PDGFRA):c.2942G>A (p.Arg981His)

Gene: PDGFRA (platelet derived growth factor receptor alpha; plus strand). Cytogenetic location: 4q12.
Variant type: single nucleotide variant.
Coding change: c.2942G>A on transcript NM_006206.6 (MANE Select); coding-DNA position 2942, G replaced by A.
Protein change: p.Arg981His; replaces arginine 981 with histidine.
Molecular consequence: missense variant.
Genome position (GRCh38, 1-based): chr4:54,290,374, G>A. VCF-style: chr4-54290374-G-A. GRCh37 (hg19) VCF-style: chr4-55156541-G-A.
Other names: c.3017G>A, p.Arg1006His (NM_001347828.2); c.2942G>A, p.Arg981His (NM_001347829.2); c.2981G>A, p.Arg994His (NM_001347830.2); c.2942G>A (NM_006206.5); short protein forms R981H, R1006H, R994H.
Identifiers: ClinVar variation 240337 (VCV000240337.21), dbSNP rs368266633, ClinGen allele CA2922995.

ClinVar aggregate classification (germline): Conflicting classifications of pathogenicity. Review status: criteria provided, conflicting classifications (1 of 4 stars). 8 submissions from 8 submitters: Likely pathogenic (1); Uncertain significance (5); Benign (1); Likely benign (1). Last evaluated 2026-07-28.

Conditions:
Polyps, multiple and recurrent inflammatory fibroid, gastrointestinal. Identifiers: MedGen C5193005, MONDO:0008285, OMIM 175510.
PDGFRA-related disorder. Also called: PDGFRA-related condition.
Idiopathic hypereosinophilic syndrome (HES). Identifiers: Orphanet 3260, MedGen C0206141, MONDO:0011895, OMIM 607685. Disease mechanism: gain of function.
Hereditary cancer-predisposing syndrome. Also called: Neoplastic Syndromes, Hereditary; Hereditary neoplastic syndrome; Hereditary Cancer Syndrome; Tumor predisposition. Identifiers: Orphanet 140162, MedGen C0027672, MeSH D009386, MONDO:0015356.
Ovarian cancer. Also called: OVARIAN CANCER, SOMATIC. Identifiers: Orphanet 213500, MedGen C1140680, MONDO:0008170, OMIM 167000.
Gastrointestinal stromal tumor. Also called: Gastrointestinal stromal tumor, somatic; Gastrointestinal stroma tumor. Identifiers: Orphanet 44890, MedGen C0238198, MeSH D046152, MONDO:0011719, OMIM 606764, HP:0100723.

Allele frequency attached by ClinVar (database versions not stated): ESP Exome Variant Server 0.00008; gnomAD 0.00010; TOPMed 0.00014; 1000 Genomes Project 30x 0.00031; 1000 Genomes Project 0.00040.
gnomAD v4.1: 77 of 1,612,498 alleles (0.0048%); highest among the groups gnomAD compares: East Asian, 0.069%; no homozygotes.

Submissions (8):

PreventionGenetics, part of Exact Sciences
Classification: Uncertain significance for PDGFRA-related condition. Last evaluated: 2026-07-28. Review status: criteria provided, single submitter. Criteria: ACMG Guidelines, 2015. Collection method: clinical testing. Allele origin: germline.
Comment: The PDGFRA c.2942G>A variant is predicted to result in the amino acid substitution p.Arg981His. This variant has been reported in an individual with multiple primary cancers including breast, ovarian, and peritoneal (Table S2, Chan et al. 2018. PubMed ID: 30093976). It is reported in 0.050% of alleles in individuals of East Asian descent in gnomAD, and has conflicting interpretations in ClinVar ranging from benign to likely pathogenic (Variation ID: 240337). Although we suspect that this variant may be benign, at this time, the clinical significance of this variant is uncertain due to the absence of conclusive functional and genetic evidence.

Myriad Genetics, Inc.
Classification: Likely benign for Polyps, multiple and recurrent inflammatory fibroid, gastrointestinal. Last evaluated: 2026-06-16. Review status: criteria provided, single submitter. Criteria: Myriad Autosomal Dominant, Autosomal Recessive and X-Linked Classification Criteria (2023). Collection method: clinical testing. Allele origin: unknown.
Comment: This variant is considered likely benign. This variant has been observed at a population frequency that is significantly greater than expected given the associated disease prevalence and penetrance.

Labcorp Genetics (formerly Invitae), Labcorp
Classification: Uncertain significance for Gastrointestinal stromal tumor. Last evaluated: 2026-01-28. Review status: criteria provided, single submitter. Criteria: Invitae Variant Classification Sherloc (09022015). Collection method: clinical testing. Allele origin: germline.
Comment: This sequence change replaces arginine, which is basic and polar, with histidine, which is basic and polar, at codon 981 of the PDGFRA protein (p.Arg981His). This variant is present in population databases (rs368266633, gnomAD 0.04%), and has an allele count higher than expected for a pathogenic variant. This missense change has been observed in individual(s) with breast, ovarian and peritoneal cancer, and a family history of breast cancer (PMID: 30093976). ClinVar contains an entry for this variant (Variation ID: 240337). Invitae Evidence Modeling of protein sequence and biophysical properties (such as structural, functional, and spatial information, amino acid conservation, physicochemical variation, residue mobility, and thermodynamic stability) indicates that this missense variant is not expected to disrupt PDGFRA protein function with a negative predictive value of 80%. In summary, the available evidence is currently insufficient to determine the role of this variant in disease. Therefore, it has been classified as a Variant of Uncertain Significance.

GeneDx
Classification: Uncertain significance. Last evaluated: 2025-04-18. Review status: criteria provided, single submitter. Criteria: GeneDx Variant Classification Process June 2021. Collection method: clinical testing. Allele origin: germline.
Comment: In silico analysis supports that this missense variant has a deleterious effect on protein structure/function; Observed in an individual with breast and ovarian cancer (PMID: 30093976); This variant is associated with the following publications: (PMID: 26416732, 31784493, 31653970, 30093976)

Ambry Genetics
Classification: Benign for Hereditary cancer-predisposing syndrome. Last evaluated: 2024-10-29. Review status: criteria provided, single submitter. Criteria: Ambry Variant Classification Scheme 2023. Collection method: clinical testing. Allele origin: germline.

Fulgent Genetics
Classification: Uncertain significance for Polyps, multiple and recurrent inflammatory fibroid, gastrointestinal; Idiopathic hypereosinophilic syndrome. Last evaluated: 2024-04-11. Review status: criteria provided, single submitter. Criteria: ACMG Guidelines, 2015. Collection method: clinical testing. Allele origin: germline.

Laboratory of Molecular Epidemiology of Birth Defects, West China Second University Hospital, Sichuan University
Classification: Likely pathogenic for Ovarian cancer. Last evaluated: 2022-01-01. Review status: criteria provided, single submitter. Criteria: ACMG Guidelines, 2015. Collection method: clinical testing. Allele origin: germline. Affected: yes.

Illumina Laboratory Services, Illumina
Classification: Uncertain significance for Gastrointestinal stromal tumor. Last evaluated: 2018-01-13. Review status: criteria provided, single submitter. Criteria: ICSL Variant Classification Criteria 13 December 2019. Collection method: clinical testing. Allele origin: germline.

Literature cited by the submitters: PubMed 30093976 (cited by Labcorp Genetics (formerly Invitae), Labcorp and Ambry Genetics).